The following is an entry in ClinVar:

ClinVar aggregate classification (germline): Pathogenic (1 of 4 stars; one submission).

Submission:

GeneDx
Classification: Pathogenic. Last evaluated: 2025-04-03. Review status: criteria provided, single submitter. Criteria: GeneDx Variant Classification Process June 2021. Collection method: clinical testing. Allele origin: germline. Affected: yes.
Comment: Not observed at significant frequency in large population cohorts (gnomAD); In silico analysis supports that this missense variant has a deleterious effect on protein structure/function; Has not been previously published as pathogenic or benign to our knowledge; This variant is associated with the following publications: (PMID: 23377182)

NM_003079.5(SMARCE1):c.206C>T (p.Pro69Leu)

Gene: SMARCE1 (SWI/SNF related BAF chromatin remodeling complex subunit E1; minus strand). Cytogenetic location: 17q21.2.
Variant type: single nucleotide variant.
Coding change: c.206C>T on transcript NM_003079.5 (MANE Select); coding-DNA position 206, C replaced by T.
Protein change: p.Pro69Leu; replaces proline 69 with leucine.
Molecular consequence: missense variant.
Genome position (GRCh38, 1-based): chr17:40,637,523, G>A on the plus strand (C>T on the coding strand, the complement: SMARCE1 is on the minus strand). VCF-style: chr17-40637523-G-A. GRCh37 (hg19) VCF-style: chr17-38793775-G-A.
Other names: short protein forms P69L.
Identifiers: ClinVar variation 4278586 (VCV004278586.1).